The following is an entry in ClinVar:

ClinVar aggregate classification (germline): Uncertain significance (1 of 4 stars; one submission).

Conditions:
Aortic aneurysm, familial thoracic 7 (AAT7). Also called: AORTIC DISSECTION, FAMILIAL, WITH OR WITHOUT AORTIC ANEURYSM. Identifiers: MedGen C3151077, MONDO:0013418, OMIM 613780.

Allele frequency attached by ClinVar (database versions not stated): gnomAD exomes below 0.00001; TOPMed below 0.00001.
gnomAD v4.1: 2 of 1,614,160 alleles (0.00012%); highest among the groups gnomAD compares: Non-Finnish European, 0.00017%; no homozygotes.

Submission:

Labcorp Genetics (formerly Invitae), Labcorp
Classification: Uncertain significance for Aortic aneurysm, familial thoracic 7. Last evaluated: 2021-12-01. Review status: criteria provided, single submitter. Criteria: Invitae Variant Classification Sherloc (09022015). Collection method: clinical testing. Allele origin: germline.
Comment: This sequence change replaces serine, which is neutral and polar, with isoleucine, which is neutral and non-polar, at codon 518 of the MYLK protein (p.Ser518Ile). This variant is not present in population databases (gnomAD no frequency). This variant has not been reported in the literature in individuals affected with MYLK-related conditions. Advanced modeling of protein sequence and biophysical properties (such as structural, functional, and spatial information, amino acid conservation, physicochemical variation, residue mobility, and thermodynamic stability) performed at Invitae indicates that this missense variant is not expected to disrupt MYLK protein function. In summary, the available evidence is currently insufficient to determine the role of this variant in disease. Therefore, it has been classified as a Variant of Uncertain Significance.

NM_053025.4(MYLK):c.1553G>T (p.Ser518Ile)

Gene: MYLK (myosin light chain kinase; minus strand). Cytogenetic location: 3q21.1.
Variant type: single nucleotide variant.
Coding change: c.1553G>T on transcript NM_053025.4 (MANE Select); coding-DNA position 1553, G replaced by T.
Protein change: p.Ser518Ile; replaces serine 518 with isoleucine.
Molecular consequence: missense variant.
Genome position (GRCh38, 1-based): chr3:123,726,042, C>A on the plus strand (G>T on the coding strand, the complement: MYLK is on the minus strand). VCF-style: chr3-123726042-C-A. GRCh37 (hg19) VCF-style: chr3-123444889-C-A.
Other names: c.1025G>T, p.Ser342Ile (NM_001321309.2); c.1346G>T, p.Ser449Ile (NM_053026.4, NM_053028.4); c.1553G>T, p.Ser518Ile (NM_053027.4); short protein forms S342I, S449I, S518I.
Identifiers: ClinVar variation 1515295 (VCV001515295.6), dbSNP rs2062270090, ClinGen allele CA354235834.